The following is an entry in ClinVar:

NM_133379.5(TTN):c.14536C>A (p.Gln4846Lys)

Genes: TTN (titin; minus strand), LOC126806432 (CDK7 strongly-dependent group 2 enhancer GRCh37_chr2:179611985-179613184; plus strand). Cytogenetic location: 2q31.2.
Variant type: single nucleotide variant.
Coding change: c.14536C>A on transcript NM_133379.5; coding-DNA position 14536, C replaced by A.
Protein change: p.Gln4846Lys; replaces glutamine 4846 with lysine.
Molecular consequence: missense variant. On other transcripts: intron variant (6).
Genome position (GRCh38, 1-based): chr2:178,747,864, G>T on the plus strand (C>A on the coding strand, the complement: TTN is on the minus strand). VCF-style: chr2-178747864-G-T. GRCh37 (hg19) VCF-style: chr2-179612591-G-T.
Other names: c.10222+5260C>A (NM_003319.4); c.10798+5260C>A (NM_133437.4); c.10597+5260C>A (NM_133432.3); c.10360+5260C>A (NM_133378.4, NM_001256850.1); c.11311+5260C>A (NM_001267550.2); short protein forms Q4846K.
Identifiers: ClinVar variation 192049 (VCV000192049.1), dbSNP rs200192023, ClinGen allele CA238184.

ClinVar aggregate classification (germline): Uncertain significance (1 of 4 stars; one submission).

Allele frequency attached by ClinVar (database versions not stated): gnomAD exomes below 0.00001.
gnomAD v4.1: 3 of 1,612,956 alleles (0.00019%); highest among the groups gnomAD compares: Non-Finnish European, 0.00025%; no homozygotes.

Submission:

Biesecker Lab/Clinical Genomics Section, National Institutes of Health
Classification: Uncertain significance. Last evaluated: 2013-06-24. Review status: criteria provided, single submitter. Criteria: Ng et al. (Circ Cardiovasc Genet. 2013). Collection method: research. Allele origin: unknown. Observed: 1 variant allele. Study: ClinSeq.
Comment: The study set was not selected for affection status in relation to any cancer. Pathogenicity categories were based on literature curation. See Pubmed ID:23861362 for details.

Medical sequencing